The following is an entry in ClinVar:

NM_000303.3(PMM2):c.562del (p.Asp188fs)

Gene: PMM2 (phosphomannomutase 2; plus strand). Cytogenetic location: 16p13.2.
Variant type: Deletion.
Coding change: c.562del on transcript NM_000303.3 (MANE Select); coding-DNA position 562, one base deleted (G; older notation c.562delG).
Protein change: p.Asp188fs; shifts the reading frame from aspartic acid 188.
Molecular consequence: frameshift variant.
Genome position (GRCh38, 1-based): chr16:8,813,029, G deleted; the last of 3 consecutive G bases (chr16:8,813,027-8,813,029); deleting any one gives the same sequence. VCF-style (leftmost placement, unchanged base first): chr16-8813026-TG-T. GRCh37 (hg19) VCF-style: chr16-8906883-TG-T.
Other names: short protein forms D188fs.
Identifiers: ClinVar variation 2046218 (VCV002046218.4), dbSNP rs2549147934, ClinGen allele CA2580092088.

ClinVar aggregate classification (germline): Pathogenic (1 of 4 stars; one submission).

Conditions:
PMM2-congenital disorder of glycosylation. Also called: JAEKEN SYNDROME; PHOSPHOMANNOMUTASE 2 DEFICIENCY; CDG Ia; PMM2-CDG; Congenital disorder of glycosylation, type Ia; CARBOHYDRATE-DEFICIENT GLYCOPROTEIN SYNDROME, TYPE Ia. Identifiers: Orphanet 79318, MedGen C0349653, MONDO:0008907, OMIM 212065.

Submission:

Labcorp Genetics (formerly Invitae), Labcorp
Classification: Pathogenic for PMM2-congenital disorder of glycosylation. Last evaluated: 2021-12-18. Review status: criteria provided, single submitter. Criteria: Invitae Variant Classification Sherloc (09022015). Collection method: clinical testing. Allele origin: germline.
Comment: For these reasons, this variant has been classified as Pathogenic. This variant disrupts a region of the PMM2 protein in which other variant(s) (p.Cys241Ser) have been determined to be pathogenic (PMID: 11156536, 11715002, 15844218, 21541725, 22012410, 25355454, 26014514). This suggests that this is a clinically significant region of the protein, and that variants that disrupt it are likely to be disease-causing. This variant has not been reported in the literature in individuals affected with PMM2-related conditions. This variant is not present in population databases (gnomAD no frequency). This sequence change creates a premature translational stop signal (p.Asp188Thrfs*44) in the PMM2 gene. While this is not anticipated to result in nonsense mediated decay, it is expected to disrupt the last 59 amino acid(s) of the PMM2 protein.

Literature cited by the submitters: PubMed 11156536; PubMed 11715002; PubMed 15844218; PubMed 21541725; PubMed 22012410; PubMed 25355454; PubMed 26014514.